The following is an entry in ClinVar:

NM_014140.4(SMARCAL1):c.68G>A (p.Arg23His)

Gene: SMARCAL1 (SNF2 related chromatin remodeling annealing helicase 1; plus strand). Cytogenetic location: 2q35.
Variant type: single nucleotide variant.
Coding change: c.68G>A on transcript NM_014140.4 (MANE Select); coding-DNA position 68, G replaced by A.
Protein change: p.Arg23His; replaces arginine 23 with histidine.
Molecular consequence: missense variant.
Genome position (GRCh38, 1-based): chr2:216,414,772, G>A. VCF-style: chr2-216414772-G-A. GRCh37 (hg19) VCF-style: chr2-217279495-G-A.
Other names: c.68G>A, p.Arg23His (NM_001127207.2); short protein forms R23H.
Identifiers: ClinVar variation 1034643 (VCV001034643.6), dbSNP rs866396456, ClinGen allele CA65577625.
Genomic context (GRCh38, chr2:216,414,772, plus strand): 5'-TGCCTCTTACAGAGGAGCAGAGGAAAAAGATTGAAGAGAATCGACAAAAGGCTCTGGCCC[G>A]CAGAGCTGAGAAGTTATTGGCAGAACAGCATCAGAGGACTAGCTCGGGCACCTCCATTGC-3'
Protein context (NP_054859.2, residues 13-33): IEENRQKALA[Arg23His]RAEKLLAEQH

ClinVar aggregate classification (germline): Uncertain significance. Review status: criteria provided, single submitter (1 of 4 stars). 2 submissions from 2 submitters: Uncertain significance (1). 1 of the submissions does not count toward it. Last evaluated 2024-11-05.

Conditions:
Schimke immuno-osseous dysplasia (SIOD). Also called: Schimke Immunoosseous Dysplasia. Identifiers: Orphanet 1830, MedGen C0877024, MONDO:0009458, OMIM 242900.

Allele frequency attached by ClinVar (database versions not stated): gnomAD exomes 0.00001; TOPMed 0.00002.
gnomAD v4.1: 15 of 1,614,072 alleles (0.00093%); highest among the groups gnomAD compares: Middle Eastern, 0.016%; no homozygotes.

Submissions (2):

Labcorp Genetics (formerly Invitae), Labcorp
Classification: Uncertain significance for Schimke immuno-osseous dysplasia. Last evaluated: 2024-11-05. Review status: criteria provided, single submitter. Criteria: Invitae Variant Classification Sherloc (09022015). Collection method: clinical testing. Allele origin: germline.
Comment: This sequence change replaces arginine, which is basic and polar, with histidine, which is basic and polar, at codon 23 of the SMARCAL1 protein (p.Arg23His). This variant is present in population databases (no rsID available, gnomAD 0.003%). This variant has not been reported in the literature in individuals affected with SMARCAL1-related conditions. ClinVar contains an entry for this variant (Variation ID: 1034643). Invitae Evidence Modeling of protein sequence and biophysical properties (such as structural, functional, and spatial information, amino acid conservation, physicochemical variation, residue mobility, and thermodynamic stability) has been performed for this missense variant. However, the output from this modeling did not meet the statistical confidence thresholds required to predict the impact of this variant on SMARCAL1 protein function. In summary, the available evidence is currently insufficient to determine the role of this variant in disease. Therefore, it has been classified as a Variant of Uncertain Significance.

Natera, Inc.
Classification: Uncertain significance for Schimke immuno-osseous dysplasia. Last evaluated: 2020-08-10. Review status: no assertion criteria provided. Collection method: clinical testing. Allele origin: germline. Not counted in ClinVar's aggregate classification.